The following is an entry in ClinVar:

NM_000077.5(CDKN2A):c.122C>G (p.Pro41Arg)

Gene: CDKN2A (cyclin dependent kinase inhibitor 2A; minus strand). Cytogenetic location: 9p21.3.
Variant type: single nucleotide variant.
Coding change: c.122C>G on transcript NM_000077.5; coding-DNA position 122, C replaced by G.
Protein change: p.Pro41Arg; replaces proline 41 with arginine.
Molecular consequence: missense variant (on NM_000077.6). On other transcripts: intron variant (2).
Genome position (GRCh38, 1-based): chr9:21,974,706, G>C on the plus strand (C>G on the coding strand, the complement: CDKN2A is on the minus strand). VCF-style: chr9-21974706-G-C. GRCh37 (hg19) VCF-style: chr9-21974705-G-C.
Other names: c.122C>G, p.Pro41Arg (NM_000077.6, NM_001195132.2, NM_058197.5); c.-3-3498C>G (NM_001363763.2); c.194-3498C>G (NM_058195.4); short protein forms P41R.
Identifiers: ClinVar variation 1755139 (VCV001755139.4), dbSNP rs373407950, ClinGen allele CA373086527.
Genomic context (GRCh38, chr9:21,974,706, plus strand): 5'-TCCCCTGCTCCCGCTGCAGACCCTCTACCCACCTGGATCGGCCTCCGACCGTAACTATTC[G>C]GTGCGTTGGGCAGCGCCCCCGCCTCCAGCAGCGCCCGCACCTCCTCTACCCGACCCCGGG-3'
Protein context (NP_000068.1, residues 31-51): LLEAGALPNA[Pro41Arg]NSYGRRPIQV

ClinVar aggregate classification (germline): Uncertain significance. Review status: criteria provided, multiple submitters, no conflicts (2 of 4 stars). 2 submissions from 2 submitters: Uncertain significance (2). Last evaluated 2025-11-10.

Conditions:
Familial melanoma. Also called: Hereditary cutaneous melanoma; Hereditary melanoma. Identifiers: Orphanet 618, MedGen C1512419, MONDO:0018961.
Hereditary cancer-predisposing syndrome. Also called: Hereditary Cancer Syndrome; Hereditary neoplastic syndrome; Neoplastic Syndromes, Hereditary; Tumor predisposition. Identifiers: Orphanet 140162, MedGen C0027672, MeSH D009386, MONDO:0015356.

Submissions (2):

Labcorp Genetics (formerly Invitae), Labcorp
Classification: Uncertain significance for Familial melanoma. Last evaluated: 2025-11-10. Review status: criteria provided, single submitter. Criteria: Invitae Variant Classification Sherloc (09022015). Collection method: clinical testing. Allele origin: germline.
Comment: This sequence change replaces proline, which is neutral and non-polar, with arginine, which is basic and polar, at codon 41 of the CDKN2A (p16INK4a) protein (p.Pro41Arg). This variant is not present in population databases (gnomAD no frequency). This variant has not been reported in the literature in individuals affected with CDKN2A (p16INK4a)-related conditions. ClinVar contains an entry for this variant (Variation ID: 1755139). An algorithm developed to predict the effect of missense changes on protein structure and function outputs the following: PolyPhen-2: "Benign". The arginine amino acid residue is found in multiple mammalian species, which suggests that this missense change does not adversely affect protein function. In summary, the available evidence is currently insufficient to determine the role of this variant in disease. Therefore, it has been classified as a Variant of Uncertain Significance.

Ambry Genetics
Classification: Uncertain significance for Hereditary cancer-predisposing syndrome. Last evaluated: 2025-03-06. Review status: criteria provided, single submitter. Criteria: Ambry Variant Classification Scheme 2023. Collection method: clinical testing. Allele origin: germline.
Comment: The p.P41R variant (also known as c.122C>G), located in coding exon 1 of the CDKN2A gene, results from a C to G substitution at nucleotide position 122. The proline at codon 41 is replaced by arginine, an amino acid with dissimilar properties. This amino acid position is not well conserved in available vertebrate species. In addition, this alteration is predicted to be tolerated by in silico analysis. Since supporting evidence is limited at this time, the clinical significance of this alteration remains unclear.